The following is an entry in ClinVar:

ClinVar aggregate classification (germline): Uncertain significance (1 of 4 stars; one submission).

Submission:

CeGaT Center for Human Genetics Tuebingen
Classification: Uncertain significance. Last evaluated: 2025-08-01. Review status: criteria provided, single submitter. Criteria: CeGaT Center For Human Genetics Tuebingen Variant Classification Criteria Version 2. Collection method: clinical testing. Allele origin: germline. Affected: yes. Observed: 1 variant allele.
Comment: ABCA1: PM2, BP4

NM_005502.4(ABCA1):c.5383-11_5383-3del

Gene: ABCA1 (ATP binding cassette subfamily A member 1; minus strand). Cytogenetic location: 9q31.1.
Variant type: Deletion.
Coding change: c.5383-11_5383-3del on transcript NM_005502.4 (MANE Select); 11 bases into the intron before coding-DNA position 5383 through 3 bases into the intron before coding-DNA position 5383, 9 bases deleted (TTTTTTTTT; older notation c.5383-11_5383-3delTTTTTTTTT).
Molecular consequence: intron variant.
Genome position (GRCh38, 1-based): chr9:104,794,513-104,794,521, AAAAAAAAA deleted on the plus strand (TTTTTTTTT on the coding strand, the reverse complement: ABCA1 is on the minus strand); deleting any 9 consecutive bases within chr9:104,794,513-104,794,530 gives the same sequence; the c. name uses the placement nearest the transcript's 3' end. VCF-style (leftmost placement, unchanged base first): chr9-104794512-TAAAAAAAAA-T. GRCh37 (hg19) VCF-style: chr9-107556793-TAAAAAAAAA-T.
Identifiers: ClinVar variation 4085671 (VCV004085671.8).